The following is an entry in ClinVar:

ClinVar aggregate classification (germline): Uncertain significance (1 of 4 stars; one submission).

Submission:

GeneDx
Classification: Uncertain significance. Last evaluated: 2023-11-11. Review status: criteria provided, single submitter. Criteria: GeneDx Variant Classification Process June 2021. Collection method: clinical testing. Allele origin: germline. Affected: yes.
Comment: Not observed at significant frequency in large population cohorts (gnomAD); Frameshift variant predicted to result in protein truncation or nonsense mediated decay in a gene or region of a gene for which loss of function is not a well-established mechanism of disease; Has not been previously published as pathogenic or benign to our knowledge

NM_003718.5(CDK13):c.56_65del (p.Glu19fs)

Gene: CDK13 (cyclin dependent kinase 13; plus strand). Cytogenetic location: 7p14.1.
Variant type: Deletion.
Coding change: c.56_65del on transcript NM_003718.5 (MANE Select); coding-DNA positions 56 to 65, 10 bases deleted (AGAAGAAGTT; older notation c.56_65delAGAAGAAGTT).
Protein change: p.Glu19fs; shifts the reading frame from glutamic acid 19.
Molecular consequence: frameshift variant.
Genome position (GRCh38, 1-based): chr7:39,950,697-39,950,706, AGAAGAAGTT deleted. VCF-style (leftmost placement, unchanged base first): chr7-39950696-GAGAAGAAGTT-G. GRCh37 (hg19) VCF-style: chr7-39990295-GAGAAGAAGTT-G.
Other names: c.56_65delAGAAGAAGTT, p.Glu19Glyfs (NM_031267.4); short protein forms E19fs.
Identifiers: ClinVar variation 3364070 (VCV003364070.1).
Genomic context (GRCh38, chr7:39,950,696, plus strand): 5'-TAGGCGATGCCGAGCAGCTCGGACACGGCGCTGGGGGGAGGCGGGGGCCTGAGCTGGGCG[GAGAAGAAGTT>G]GGAGGAACGCCGCAAGCGGAGGCGATTCCTGTCCCCTCAGCAGCCGCCGCTGCTGTTGCC-3'